The following is an entry in ClinVar:

ClinVar aggregate classification (germline): Uncertain significance (1 of 4 stars; one submission).

Conditions:
Pulmonary fibrosis and/or bone marrow failure, Telomere-related, 3. Also called: PULMONARY FIBROSIS AND/OR BONE MARROW FAILURE SYNDROME, TELOMERE-RELATED, 3. Identifiers: Orphanet 2032, MedGen C4225346, MONDO:0014613, OMIM 616373.
Dyskeratosis congenita, autosomal recessive 5 (DKCB5). Identifiers: MedGen C3554656, MONDO:0014076, OMIM 615190.

Submission:

Labcorp Genetics (formerly Invitae), Labcorp
Classification: Uncertain significance for Dyskeratosis congenita, autosomal recessive 5; Pulmonary fibrosis and/or bone marrow failure, Telomere-related, 3. Last evaluated: 2022-08-23. Review status: criteria provided, single submitter. Criteria: Invitae Variant Classification Sherloc (09022015). Collection method: clinical testing. Allele origin: germline.
Comment: This sequence change replaces glutamine, which is neutral and polar, with arginine, which is basic and polar, at codon 1245 of the RTEL1 protein (p.Gln1245Arg). This variant is not present in population databases (gnomAD no frequency). This variant has not been reported in the literature in individuals affected with RTEL1-related conditions. ClinVar contains an entry for this variant (Variation ID: 1007953). Algorithms developed to predict the effect of missense changes on protein structure and function (SIFT, PolyPhen-2, Align-GVGD) all suggest that this variant is likely to be tolerated. Algorithms developed to predict the effect of sequence changes on RNA splicing suggest that this variant may disrupt the consensus splice site. In summary, the available evidence is currently insufficient to determine the role of this variant in disease. Therefore, it has been classified as a Variant of Uncertain Significance.

NM_001283009.2(RTEL1):c.3734A>G (p.Gln1245Arg)

Genes: RTEL1 (regulator of telomere elongation helicase 1; plus strand), RTEL1-TNFRSF6B (RTEL1-TNFRSF6B readthrough (NMD candidate); plus strand). Cytogenetic location: 20q13.33.
Variant type: single nucleotide variant.
Coding change: c.3734A>G on transcript NM_001283009.2 (MANE Select); coding-DNA position 3734, A replaced by G.
Protein change: p.Gln1245Arg; replaces glutamine 1245 with arginine.
Molecular consequence: missense variant. On other transcripts: non-coding transcript variant (1), intron variant (3).
Genome position (GRCh38, 1-based): chr20:63,695,562, A>G. VCF-style: chr20-63695562-A-G. GRCh37 (hg19) VCF-style: chr20-62326915-A-G.
Other names: c.2983+82A>G (NM_001283010.1); c.3724+82A>G (NM_032957.5); c.3652+82A>G (NM_016434.4); short protein forms Q1245R.
Identifiers: ClinVar variation 1007953 (VCV001007953.6), dbSNP rs2090958582, ClinGen allele CA409686600.
Genomic context (GRCh38, chr20:63,695,562, plus strand): 5'-TCGCTGGGCAGCAGGCCACGGGAGCTCCGGGCGGGCCCCTCTCAGCAGGCTGTGTGTGCC[A>G]GGGCTGTGGGGCAGAGGACGTGGTGCCCTTCCAGTGCCCTGCCTGTGACTTCCAGCGCTG-3'
Protein context (NP_001269938.1, residues 1235-1255): GGPLSAGCVC[Gln1245Arg]GCGAEDVVPF